The following is an entry in ClinVar:

ClinVar aggregate classification (germline): Uncertain significance. Review status: criteria provided, multiple submitters, no conflicts (2 of 4 stars). 2 submissions from 2 submitters: Uncertain significance (2). Last evaluated 2026-05-20.

Conditions:
Hypertrophic cardiomyopathy 1 (CMH1). Also called: Familial hypertrophic cardiomyopathy 1; MYH7-Related Familial Hypertrophic Cardiomyopathy. Identifiers: MedGen C3495498, MONDO:0008647, OMIM 192600.

gnomAD v4.1: 14 of 1,611,530 alleles (0.00087%); highest among the groups gnomAD compares: Middle Eastern, 0.016%; no homozygotes.

Submissions (2):

Ambry Genetics
Classification: Uncertain significance. Last evaluated: 2026-05-20. Review status: criteria provided, single submitter. Criteria: Ambry Variant Classification Scheme 2023. Collection method: clinical testing. Allele origin: germline.
Comment: The p.D323Y variant (also known as c.967G>T), located in coding exon 5 of the MYLK2 gene, results from a G to T substitution at nucleotide position 967. The aspartic acid at codon 323 is replaced by tyrosine, an amino acid with highly dissimilar properties. This amino acid position is conserved. In addition, the in silico prediction for this alteration is inconclusive. Based on the available evidence, the clinical significance of this variant remains unclear.

Fulgent Genetics
Classification: Uncertain significance for Hypertrophic cardiomyopathy 1. Last evaluated: 2024-05-14. Review status: criteria provided, single submitter. Criteria: ACMG Guidelines, 2015. Collection method: clinical testing. Allele origin: germline.

NM_033118.4(MYLK2):c.967G>T (p.Asp323Tyr)

Gene: MYLK2 (myosin light chain kinase 2; plus strand). Cytogenetic location: 20q11.21.
Variant type: single nucleotide variant.
Coding change: c.967G>T on transcript NM_033118.4 (MANE Select); coding-DNA position 967, G replaced by T.
Protein change: p.Asp323Tyr; replaces aspartic acid 323 with tyrosine.
Molecular consequence: missense variant.
Genome position (GRCh38, 1-based): chr20:31,824,347, G>T. VCF-style: chr20-31824347-G-T. GRCh37 (hg19) VCF-style: chr20-30412150-G-T.
Other names: short protein forms D323Y.
Identifiers: ClinVar variation 3587154 (VCV003587154.2).
Genomic context (GRCh38, chr20:31,824,347, plus strand): 5'-ATGGAGAAAGCCACAGGCCTCAAGCTGGCAGCCAAGGTCATCAAGAAACAGACTCCCAAA[G>T]ACAAGGTAGTGAGGTTGCGGGGGTGGTGGCTGCCCAGGATGGGGAGGGGATCCTTGGAGT-3'
Protein context (NP_149109.1, residues 313-333): AKVIKKQTPK[Asp323Tyr]KEMVLLEIEV